The following is an entry in ClinVar:

NM_001267550.2(TTN):c.97492+1G>C

Genes: TTN (titin; minus strand), TTN-AS1 (TTN antisense RNA 1; plus strand). Cytogenetic location: 2q31.2.
Variant type: single nucleotide variant.
Coding change: c.97492+1G>C on transcript NM_001267550.2 (MANE Select); the canonical splice donor site of the intron after coding-DNA position 97492, G replaced by C.
Molecular consequence: splice donor variant. On other transcripts: non-coding transcript variant (1).
Genome position (GRCh38, 1-based): chr2:178,542,263, C>G on the plus strand (G>C on the coding strand, the complement: TTN is on the minus strand). VCF-style: chr2-178542263-C-G. GRCh37 (hg19) VCF-style: chr2-179406990-C-G.
Other names: c.70297+1G>C (NM_003319.4); c.70873+1G>C (NM_133437.4); c.70672+1G>C (NM_133432.3); c.89788+1G>C (NM_133378.4); c.92569+1G>C (NM_001256850.1).
Identifiers: ClinVar variation 180058 (VCV000180058.30), dbSNP rs727505319, ClinGen allele CA273675.

ClinVar aggregate classification (germline): Pathogenic/Likely pathogenic. Review status: criteria provided, multiple submitters, no conflicts (2 of 4 stars). 8 submissions from 8 submitters: Pathogenic (6); Likely pathogenic (2). Last evaluated 2026-04-30.

Conditions:
Cardiovascular phenotype. Identifiers: MedGen CN230736.
TTN-related disorder. Also called: TTN-related condition; TTN-related disease; TTN-related disorders.
Autosomal recessive limb-girdle muscular dystrophy type 2J (LGMDR10). Also called: Limb-girdle muscular dystrophy, type 2J; MUSCULAR DYSTROPHY, LIMB-GIRDLE, AUTOSOMAL RECESSIVE 10. Identifiers: Orphanet 140922, MedGen C1837342, MONDO:0012127, OMIM 608807.
Dilated cardiomyopathy 1G (CMD1G). Identifiers: Orphanet 154, MedGen C1858763, MONDO:0011400, OMIM 604145.
Cardiomyopathy (CMYO). Also called: Cardiomyopathies. Identifiers: Orphanet 167848, MedGen C0878544, MONDO:0004994, HP:0001638. Inheritance: Various modes of inheritance.
SUDDEN INFANT DEATH SYNDROME (SIDS). Also called: Sudden Infant Death. Identifiers: MedGen C0038644, MeSH D013398, OMIM 272120.
Primary dilated cardiomyopathy (DCM). Also called: Dilated Cardiomyopathy. Identifiers: Orphanet 217604, MedGen C0007193, MeSH D002311, MONDO:0005021, HP:0001644. Inheritance: Various modes of inheritance.

gnomAD v4.1: 9 of 1,603,430 alleles (0.00056%); highest among the groups gnomAD compares: Admixed American, 0.0017%; no homozygotes.

Submissions (8):

Molecular Diagnostic Laboratory for Inherited Cardiovascular Disease, Montreal Heart Institute
Classification: Pathogenic for Cardiovascular phenotype. Last evaluated: 2026-04-30. Review status: criteria provided, single submitter. Criteria: ACMG Guidelines, 2015. Collection method: clinical testing. Allele origin: germline. Affected: yes.

Labcorp Genetics (formerly Invitae), Labcorp
Classification: Pathogenic for Dilated cardiomyopathy 1G; Autosomal recessive limb-girdle muscular dystrophy type 2J. Last evaluated: 2026-01-27. Review status: criteria provided, single submitter. Criteria: Invitae Variant Classification Sherloc (09022015). Collection method: clinical testing. Allele origin: germline.
Comment: This sequence change affects a donor splice site in intron 349 of the TTN gene. It is expected to disrupt RNA splicing and likely results in a truncated or disrupted TTN protein. This variant is not present in population databases (gnomAD no frequency). Disruption of this splice site has been observed in individuals with dilated cardiomyopathy (PMID: 22335739). This variant is also known as c.92569+1G>C. ClinVar contains an entry for this variant (Variation ID: 180058). Algorithms developed to predict the effect of sequence changes on RNA splicing suggest that this variant may disrupt the consensus splice site. This variant is located in the A band of TTN (PMID: 25589632). Truncating variants in this region are significantly overrepresented in patients affected with dilated cardiomyopathy (PMID: 25589632). Truncating variants in this region have also been reported in individuals affected with autosomal recessive centronuclear myopathy (PMID: 23975875). For these reasons, this variant has been classified as Pathogenic.

Ambry Genetics
Classification: Likely pathogenic for Cardiovascular phenotype. Last evaluated: 2025-08-14. Review status: criteria provided, single submitter. Criteria: Ambry Variant Classification Scheme 2023. Collection method: clinical testing. Allele origin: germline.
Comment: The c.70297+1G>C intronic variant results from a G to C substitution one nucleotide after coding exon 176 of the TTN gene. This variant disrupts the canonical splice site and is expected to cause aberrant splicing, resulting in an abnormal protein or a transcript that is subject to nonsense-mediated mRNA decay. This variant was not reported in population-based cohorts in the Genome Aggregation Database (gnomAD). This alteration, also reported as NM_001256850.1:c.92569+1G>C, has been reported in two individuals in a dilated cardiomyopathy (DCM) cohort (Herman, 2012). This nucleotide position is highly conserved in available vertebrate species. Exon 176 is located in the A-band region of the N2-B isoform of the titin protein and is constitutively expressed in TTN transcripts (percent spliced in or PSI 100%). While loss of function variants in TTN are present in 1-3% of the general population, truncating variants (a category that includes canonical splice site variants) in the A-band are the most common cause of DCM (Herman, 2012; Roberts, 2015). TTN truncating variants encoded in constitutive exons (PSI >90%) have been found to be significantly associated with DCM regardless of their position in titin (Schafer, 2017; Akhtar, 2020; Massier, 2025). In silico splice site analysis predicts that this alteration will weaken the native splice donor site. Based on the available evidence, this alteration is classified as likely pathogenic.

Blueprint Genetics
Classification: Pathogenic for TTN-related disorders. Last evaluated: 2024-01-23. Review status: criteria provided, single submitter. Criteria: ACMG Guidelines, 2015. Collection method: clinical testing. Allele origin: germline. Affected: yes. Observed: 5 variant alleles.

CHEO Genetics Diagnostic Laboratory, Children's Hospital of Eastern Ontario
Classification: Pathogenic for Cardiomyopathy. Last evaluated: 2023-05-16. Review status: criteria provided, single submitter. Criteria: ACMG Guidelines, 2015. Collection method: clinical testing. Allele origin: germline. Study: Canadian Open Genetics Repository.

GeneDx
Classification: Pathogenic. Last evaluated: 2022-07-15. Review status: criteria provided, single submitter. Criteria: GeneDx Variant Classification Process June 2021. Collection method: clinical testing. Allele origin: germline. Affected: yes.
Comment: Identified in multiple unrelated patients with DCM referred for genetic testing at GeneDx and in published literature (reported as c.97492+1 G>C using alternate nomenclature) (Herman et al., 2012; Fatkin et al., 2016); Canonical splice site variant predicted to result in a null allele in a gene for which loss of function is a known mechanism of disease; Not observed at significant frequency in large population cohorts (gnomAD); This variant is associated with the following publications: (PMID: 22335739, 30150400, 33874732)

Robert's Program, Boston Children's Hospital
Classification: Pathogenic for SUDDEN INFANT DEATH SYNDROME. Last evaluated: 2021-10-01. Review status: criteria provided, single submitter. Criteria: ACMG Guidelines, 2015. Collection method: research. Allele origin: germline. Affected: yes.
Comment: We classify this variant as pathogenic using the following ACMG/AMP criteria: PVS1, PM1, PM2, PP5

Laboratory for Molecular Medicine, Mass General Brigham Personalized Medicine
Classification: Likely pathogenic for Primary dilated cardiomyopathy. Last evaluated: 2014-10-22. Review status: criteria provided, single submitter. Criteria: LMM Criteria. Collection method: clinical testing. Allele origin: germline. Inheritance: Autosomal dominant inheritance. Observed: 1 variant allele.
Comment: The c.89788+1G>C variant in TTN has not been previously reported in individuals with cardiomyopathy or in large population studies. This variant occurs in the i nvariant region (+/- 1,2) of the splice consensus sequence and is predicted to c ause altered splicing leading to an abnormal or absent protein. Splice variants and other truncating variants in TTN are strongly associated with DCM, particula rly if they are located in the exons encoding for the A-band region of the prote in (Herman 2012, Pugh 2014), where this variant is located. In summary, although additional studies are required to fully establish its clinical significance, t he c.89788+1G>C variant is likely pathogenic.

Literature cited by the submitters: PubMed 22335739 (cited by Labcorp Genetics (formerly Invitae), Labcorp and Ambry Genetics); PubMed 25589632 (cited by Labcorp Genetics (formerly Invitae), Labcorp and Ambry Genetics); PubMed 23975875 (cited by Labcorp Genetics (formerly Invitae), Labcorp); PubMed 27869827 (cited by Ambry Genetics); PubMed 32964742 (cited by Ambry Genetics); PubMed 39844436 (cited by Ambry Genetics).